The following is an entry in ClinVar:

ClinVar aggregate classification (germline): Uncertain significance (1 of 4 stars; one submission).

Conditions:
Hereditary cancer-predisposing syndrome. Also called: Neoplastic Syndromes, Hereditary; Tumor predisposition; Hereditary Cancer Syndrome; Hereditary neoplastic syndrome. Identifiers: Orphanet 140162, MedGen C0027672, MeSH D009386, MONDO:0015356.

Submission:

Ambry Genetics
Classification: Uncertain significance for Hereditary cancer-predisposing syndrome. Last evaluated: 2022-09-27. Review status: criteria provided, single submitter. Criteria: Ambry Variant Classification Scheme 2023. Collection method: clinical testing. Allele origin: germline.
Comment: The p.S2837Y variant (also known as c.8510C>A), located in coding exon 15 of the APC gene, results from a C to A substitution at nucleotide position 8510. The serine at codon 2837 is replaced by tyrosine, an amino acid with dissimilar properties. This amino acid position is conserved. In addition, in silico predictors for this gene do not accurately predict pathogenicity. Since supporting evidence is limited at this time, the clinical significance of this alteration remains unclear.

NM_000038.6(APC):c.8510C>A (p.Ser2837Tyr)

Gene: APC (APC regulator of Wnt signaling pathway; plus strand). Cytogenetic location: 5q22.2.
Variant type: single nucleotide variant.
Coding change: c.8510C>A on transcript NM_000038.6 (MANE Select); coding-DNA position 8510, C replaced by A.
Protein change: p.Ser2837Tyr; replaces serine 2837 with tyrosine.
Molecular consequence: missense variant.
Genome position (GRCh38, 1-based): chr5:112,844,104, C>A. VCF-style: chr5-112844104-C-A. GRCh37 (hg19) VCF-style: chr5-112179801-C-A.
Other names: c.8510C>A, p.Ser2837Tyr (NM_001127510.3, NM_001354895.2, NM_001407450.1); c.8456C>A, p.Ser2819Tyr (NM_001127511.3); c.8564C>A, p.Ser2855Tyr (NM_001354896.2, NM_001407447.1, NM_001407448.1 and 1 more transcripts); c.8540C>A, p.Ser2847Tyr (NM_001354897.2); c.8435C>A, p.Ser2812Tyr (NM_001354898.2); c.8426C>A, p.Ser2809Tyr (NM_001354899.2); c.8387C>A, p.Ser2796Tyr (NM_001354900.2); c.8333C>A, p.Ser2778Tyr (NM_001354901.2, NM_001407453.1); and 11 more; short protein forms S2453Y, S2708Y, S2778Y, S2796Y, S2827Y, S2677Y, S2736Y, S2746Y.
Identifiers: ClinVar variation 1763691 (VCV001763691.2), dbSNP rs760103966, ClinGen allele CA16039791.